The following is an entry in ClinVar:

ClinVar aggregate classification (germline): Conflicting classifications of pathogenicity. Review status: criteria provided, conflicting classifications (1 of 4 stars). 2 submissions from 2 submitters: Uncertain significance (1); Likely benign (1). Last evaluated 2025-12-03.

Conditions:
Inborn genetic diseases. Identifiers: MedGen C0950123, MeSH D030342.

Allele frequency attached by ClinVar (database versions not stated): ExAC 0.00001; gnomAD 0.00001; gnomAD exomes below 0.00001; TOPMed 0.00001.
gnomAD v4.1: 6 of 1,613,404 alleles (0.00037%); highest among the groups gnomAD compares: African/African-American, 0.004%; no homozygotes.

Submissions (2):

Ambry Genetics
Classification: Likely benign for Inborn genetic diseases. Last evaluated: 2025-12-03. Review status: criteria provided, single submitter. Criteria: Ambry Variant Classification Scheme 2023. Collection method: clinical testing. Allele origin: germline.

Labcorp Genetics (formerly Invitae), Labcorp
Classification: Uncertain significance. Last evaluated: 2022-07-24. Review status: criteria provided, single submitter. Criteria: Invitae Variant Classification Sherloc (09022015). Collection method: clinical testing. Allele origin: germline.
Comment: This sequence change replaces arginine, which is basic and polar, with glutamine, which is neutral and polar, at codon 2289 of the FAT4 protein (p.Arg2289Gln). This variant is present in population databases (rs767497964, gnomAD 0.01%). This variant has not been reported in the literature in individuals affected with FAT4-related conditions. Advanced modeling of protein sequence and biophysical properties (such as structural, functional, and spatial information, amino acid conservation, physicochemical variation, residue mobility, and thermodynamic stability) performed at Invitae indicates that this missense variant is not expected to disrupt FAT4 protein function. In summary, the available evidence is currently insufficient to determine the role of this variant in disease. Therefore, it has been classified as a Variant of Uncertain Significance.

NM_001291303.3(FAT4):c.6866G>A (p.Arg2289Gln)

Gene: FAT4 (FAT atypical cadherin 4; plus strand). Cytogenetic location: 4q28.1.
Variant type: single nucleotide variant.
Coding change: c.6866G>A on transcript NM_001291303.3 (MANE Select); coding-DNA position 6866, G replaced by A.
Protein change: p.Arg2289Gln; replaces arginine 2289 with glutamine.
Molecular consequence: missense variant.
Genome position (GRCh38, 1-based): chr4:125,416,470, G>A. VCF-style: chr4-125416470-G-A. GRCh37 (hg19) VCF-style: chr4-126337625-G-A.
Other names: c.6866G>A, p.Arg2289Gln (NM_001291285.3, NM_024582.6); c.6866G>A (NM_024582.4); short protein forms R2289Q.
Identifiers: ClinVar variation 1923633 (VCV001923633.3), dbSNP rs767497964, ClinGen allele CA3073019.